The following is an entry in ClinVar:

ClinVar aggregate classification (germline): Uncertain significance (1 of 4 stars; one submission).

Allele frequency attached by ClinVar (database versions not stated): gnomAD exomes 0.00001; TOPMed 0.00001.
gnomAD v4.1: 20 of 1,611,816 alleles (0.0012%); highest among the groups gnomAD compares: South Asian, 0.02%; no homozygotes.

Submission:

Labcorp Genetics (formerly Invitae), Labcorp
Classification: Uncertain significance. Last evaluated: 2020-11-28. Review status: criteria provided, single submitter. Criteria: Invitae Variant Classification Sherloc (09022015). Collection method: clinical testing. Allele origin: germline.
Comment: This variant is not present in population databases (ExAC no frequency). This sequence change replaces lysine with arginine at codon 170 of the APOL1 protein (p.Lys170Arg). The lysine residue is weakly conserved and there is a small physicochemical difference between lysine and arginine. This variant has not been reported in the literature in individuals with APOL1-related conditions. In summary, the available evidence is currently insufficient to determine the role of this variant in disease. Therefore, it has been classified as a Variant of Uncertain Significance. Algorithms developed to predict the effect of missense changes on protein structure and function output the following: SIFT: "Tolerated"; PolyPhen-2: "Benign"; Align-GVGD: "Class C0". The arginine amino acid residue is found in multiple mammalian species, suggesting that this missense change does not adversely affect protein function. These predictions have not been confirmed by published functional studies and their clinical significance is uncertain.

NM_003661.4(APOL1):c.509A>G (p.Lys170Arg)

Gene: APOL1 (apolipoprotein L1; plus strand). Cytogenetic location: 22q12.3.
Variant type: single nucleotide variant.
Coding change: c.509A>G on transcript NM_003661.4 (MANE Select); coding-DNA position 509, A replaced by G.
Protein change: p.Lys170Arg; replaces lysine 170 with arginine.
Molecular consequence: missense variant.
Genome position (GRCh38, 1-based): chr22:36,265,345, A>G. VCF-style: chr22-36265345-A-G. GRCh37 (hg19) VCF-style: chr22-36661391-A-G.
Other names: c.509A>G, p.Lys170Arg (NM_001136540.2); c.455A>G, p.Lys152Arg (NM_001136541.2, NM_001362927.2); c.557A>G, p.Lys186Arg (NM_145343.3); short protein forms K152R, K170R, K186R.
Identifiers: ClinVar variation 1389183 (VCV001389183.8), dbSNP rs879140668, ClinGen allele CA323579620.